The following is an entry in ClinVar:

NM_001161352.2(KCNMA1):c.2267-4423C>T

Genes: KCNMA1 (potassium calcium-activated channel subfamily M alpha 1; minus strand), KCNMA1-AS1 (KCNMA1 antisense RNA 1; plus strand). Cytogenetic location: 10q22.3.
Variant type: single nucleotide variant.
Coding change: c.2267-4423C>T on transcript NM_001161352.2 (MANE Select); 4423 bases into the intron before coding-DNA position 2267, C replaced by T.
Molecular consequence: intron variant. On other transcripts: missense variant (1).
Genome position (GRCh38, 1-based): chr10:76,974,490, G>A on the plus strand (C>T on the coding strand, the complement: KCNMA1 is on the minus strand). VCF-style: chr10-76974490-G-A. GRCh37 (hg19) VCF-style: chr10-78734248-G-A.
Other names: c.2093-4423C>T (NM_001410940.1, NM_002247.4, NM_001161353.2 and 1 more transcripts); c.2102-4423C>T (NM_001322829.2, NM_001322836.2, NM_001271519.2); c.2105-4423C>T (NM_001014797.3, NM_001322835.2, NM_001322837.2); c.2114-4423C>T (NM_001322830.2); c.1636C>T, p.Pro546Ser (NM_001322838.2); c.1943-4423C>T (NM_001271518.2); short protein forms P546S.
Identifiers: ClinVar variation 3389201 (VCV003389201.14).
Genomic context (GRCh38, chr10:76,974,490, plus strand): 5'-TGTTGAGGGCTGCAGGGTAGTTATTAAAAATGGGAATGGGTCCCAGTCTTCCTTCACCTG[G>A]CTCGGTCACAAGCCGAGAATTGGGAGTCTCCTTCTTGAACTCAAATGGATCTTTGGAATA-3'

ClinVar aggregate classification (germline): Uncertain significance (1 of 4 stars; one submission).

Submission:

CeGaT Center for Human Genetics Tuebingen
Classification: Uncertain significance. Last evaluated: 2024-09-01. Review status: criteria provided, single submitter. Criteria: CeGaT Center For Human Genetics Tuebingen Variant Classification Criteria Version 2. Collection method: clinical testing. Allele origin: germline. Affected: yes. Observed: 1 variant allele.
Comment: KCNMA1: PM2, PP2, BP4